The following is an entry in ClinVar:

NM_017777.4(MKS1):c.1627C>T (p.Arg543Trp)

Gene: MKS1 (MKS transition zone complex subunit 1; minus strand). Cytogenetic location: 17q22.
Variant type: single nucleotide variant.
Coding change: c.1627C>T on transcript NM_017777.4 (MANE Select); coding-DNA position 1627, C replaced by T.
Protein change: p.Arg543Trp; replaces arginine 543 with tryptophan.
Molecular consequence: missense variant. On other transcripts: 3 prime UTR variant (1).
Genome position (GRCh38, 1-based): chr17:58,206,132, G>A on the plus strand (C>T on the coding strand, the complement: MKS1 is on the minus strand). VCF-style: chr17-58206132-G-A. GRCh37 (hg19) VCF-style: chr17-56283493-G-A.
Other names: c.1018C>T, p.Arg340Trp (NM_001321268.2); c.1544C>T, p.Pro515Leu (NM_001321269.2); c.*39C>T (NM_001330397.2); short protein forms R543W, P515L, R340W.
Identifiers: ClinVar variation 502021 (VCV000502021.12), dbSNP rs748406509, ClinGen allele CA8669055.

ClinVar aggregate classification (germline): Uncertain significance. Review status: criteria provided, multiple submitters, no conflicts (2 of 4 stars). 6 submissions from 6 submitters: Uncertain significance (5). 1 of the submissions does not count toward it. Last evaluated 2026-05-06.

Conditions:
MKS1-related disorder. Also called: MKS1-related condition; MKS1-related disorders. Identifiers: MedGen CN239382.
Joubert syndrome 28 (JBTS28). Identifiers: MedGen C4310705, MONDO:0014928, OMIM 617121.
Meckel syndrome, type 1 (MKS1). Also called: MECKEL-GRUBER SYNDROME, TYPE 1. Identifiers: Orphanet 564, MedGen C3714506, MONDO:0009571, OMIM 249000.
Bardet-Biedl syndrome 13 (BBS13). Identifiers: Orphanet 110, MedGen C2673873, MONDO:0014441, OMIM 615990.
Meckel-Gruber syndrome. Also called: GRUBER SYNDROME; DYSENCEPHALIA SPLANCHNOCYSTICA; Dysencephalia splachnocystica. Identifiers: Orphanet 564, MedGen C0265215, MONDO:0018921.
Joubert syndrome. Also called: JOUBERT-BOLTSHAUSER SYNDROME; Familial aplasia of the vermis. Identifiers: Orphanet 475, MedGen C5979921, MONDO:0018772.

Allele frequency attached by ClinVar (database versions not stated): ExAC 0.00001; gnomAD 0.00001; gnomAD exomes 0.00002; TOPMed 0.00004.
gnomAD v4.1: 34 of 1,613,496 alleles (0.0021%); highest among the groups gnomAD compares: East Asian, 0.0067%; no homozygotes.

Submissions (6):

PreventionGenetics, part of Exact Sciences
Classification: Uncertain significance for MKS1-related condition. Last evaluated: 2026-05-06. Review status: criteria provided, single submitter. Criteria: ACMG Guidelines, 2015. Collection method: clinical testing. Allele origin: germline.
Comment: The MKS1 c.1627C>T variant is predicted to result in the amino acid substitution p.Arg543Trp. To our knowledge, this variant has not been reported in the literature. This variant is reported in 0.011% of alleles in individuals of Latino descent in gnomAD. At this time, the clinical significance of this variant is uncertain due to the absence of conclusive functional and genetic evidence.

Fulgent Genetics
Classification: Uncertain significance for Meckel syndrome, type 1; Bardet-Biedl syndrome 13; Joubert syndrome 28. Last evaluated: 2024-04-24. Review status: criteria provided, single submitter. Criteria: ACMG Guidelines, 2015. Collection method: clinical testing. Allele origin: germline.

Blueprint Genetics
Classification: Uncertain significance. Last evaluated: 2023-01-18. Review status: criteria provided, single submitter. Criteria: ACMG Guidelines, 2015. Collection method: clinical testing. Allele origin: germline.

Labcorp Genetics (formerly Invitae), Labcorp
Classification: Uncertain significance for Joubert syndrome; Meckel-Gruber syndrome. Last evaluated: 2021-09-01. Review status: criteria provided, single submitter. Criteria: Invitae Variant Classification Sherloc (09022015). Collection method: clinical testing. Allele origin: germline.
Comment: This sequence change replaces arginine with tryptophan at codon 543 of the MKS1 protein (p.Arg543Trp). The arginine residue is moderately conserved and there is a moderate physicochemical difference between arginine and tryptophan. This variant is present in population databases (rs748406509, ExAC 0.01%). This variant has not been reported in the literature in individuals affected with MKS1-related conditions. ClinVar contains an entry for this variant (Variation ID: 502021). Experimental studies and prediction algorithms are not available or were not evaluated, and the functional significance of this variant is currently unknown. In summary, the available evidence is currently insufficient to determine the role of this variant in disease. Therefore, it has been classified as a Variant of Uncertain Significance.

Eurofins Ntd Llc (ga)
Classification: Uncertain significance. Last evaluated: 2017-05-18. Review status: criteria provided, single submitter. Criteria: EGL Classification Definitions 2015. Collection method: clinical testing. Allele origin: germline. Observed: 1 variant allele, 1 heterozygote.

Natera, Inc.
Classification: Uncertain significance for Meckel syndrome type 1. Last evaluated: 2019-10-28. Review status: no assertion criteria provided. Collection method: clinical testing. Allele origin: germline. Not counted in ClinVar's aggregate classification.